The following continues an entry in ClinVar:

NM_001011.4(RPS7):c.508-12C>A

Gene: RPS7. ClinVar aggregate classification (germline): Benign/Likely benign. Benign (6); Likely benign (1).

Submissions 31 to 64 of 64:

Dr. Peter K. Rogan Lab, Western University
No classification provided (evidence only). Condition: Chronic lymphocytic leukemia/small lymphocytic lymphoma. Review status: no classification provided. Collection method: in vitro. Allele origin: not applicable. Functional consequence: retained intron. Not counted in ClinVar's aggregate classification.

Dr. Peter K. Rogan Lab, Western University
No classification provided (evidence only). Condition: Chronic lymphocytic leukemia/small lymphocytic lymphoma. Review status: no classification provided. Collection method: in vitro. Allele origin: not applicable. Functional consequence: retained intron. Not counted in ClinVar's aggregate classification.

Dr. Peter K. Rogan Lab, Western University
No classification provided (evidence only). Condition: Chronic lymphocytic leukemia/small lymphocytic lymphoma. Review status: no classification provided. Collection method: in vitro. Allele origin: not applicable. Functional consequence: retained intron. Not counted in ClinVar's aggregate classification.

Dr. Peter K. Rogan Lab, Western University
No classification provided (evidence only). Condition: Chronic lymphocytic leukemia/small lymphocytic lymphoma. Review status: no classification provided. Collection method: in vitro. Allele origin: not applicable. Functional consequence: retained intron. Not counted in ClinVar's aggregate classification.

Dr. Peter K. Rogan Lab, Western University
No classification provided (evidence only). Condition: Chronic lymphocytic leukemia/small lymphocytic lymphoma. Review status: no classification provided. Collection method: in vitro. Allele origin: not applicable. Functional consequence: retained intron. Not counted in ClinVar's aggregate classification.

Dr. Peter K. Rogan Lab, Western University
No classification provided (evidence only). Condition: Chronic lymphocytic leukemia/small lymphocytic lymphoma. Review status: no classification provided. Collection method: in vitro. Allele origin: not applicable. Functional consequence: retained intron. Not counted in ClinVar's aggregate classification.

Dr. Peter K. Rogan Lab, Western University
No classification provided (evidence only). Condition: Chronic lymphocytic leukemia/small lymphocytic lymphoma. Review status: no classification provided. Collection method: in vitro. Allele origin: not applicable. Functional consequence: retained intron. Not counted in ClinVar's aggregate classification.

Dr. Peter K. Rogan Lab, Western University
No classification provided (evidence only). Condition: Chronic lymphocytic leukemia/small lymphocytic lymphoma. Review status: no classification provided. Collection method: in vitro. Allele origin: not applicable. Functional consequence: retained intron. Not counted in ClinVar's aggregate classification.

Dr. Peter K. Rogan Lab, Western University
No classification provided (evidence only). Condition: Chronic lymphocytic leukemia/small lymphocytic lymphoma. Review status: no classification provided. Collection method: in vitro. Allele origin: not applicable. Functional consequence: retained intron. Not counted in ClinVar's aggregate classification.

Dr. Peter K. Rogan Lab, Western University
No classification provided (evidence only). Condition: Chronic lymphocytic leukemia/small lymphocytic lymphoma. Review status: no classification provided. Collection method: in vitro. Allele origin: not applicable. Functional consequence: retained intron. Not counted in ClinVar's aggregate classification.

Dr. Peter K. Rogan Lab, Western University
No classification provided (evidence only). Condition: Chronic lymphocytic leukemia/small lymphocytic lymphoma. Review status: no classification provided. Collection method: in vitro. Allele origin: not applicable. Functional consequence: retained intron. Not counted in ClinVar's aggregate classification.

Dr. Peter K. Rogan Lab, Western University
No classification provided (evidence only). Condition: Chronic lymphocytic leukemia/small lymphocytic lymphoma. Review status: no classification provided. Collection method: in vitro. Allele origin: not applicable. Functional consequence: retained intron. Not counted in ClinVar's aggregate classification.

Dr. Peter K. Rogan Lab, Western University
No classification provided (evidence only). Condition: Chronic lymphocytic leukemia/small lymphocytic lymphoma. Review status: no classification provided. Collection method: in vitro. Allele origin: not applicable. Functional consequence: retained intron. Not counted in ClinVar's aggregate classification.

Dr. Peter K. Rogan Lab, Western University
No classification provided (evidence only). Condition: Chronic lymphocytic leukemia/small lymphocytic lymphoma. Review status: no classification provided. Collection method: in vitro. Allele origin: not applicable. Functional consequence: retained intron. Not counted in ClinVar's aggregate classification.

Dr. Peter K. Rogan Lab, Western University
No classification provided (evidence only). Condition: Chronic lymphocytic leukemia/small lymphocytic lymphoma. Review status: no classification provided. Collection method: in vitro. Allele origin: not applicable. Functional consequence: retained intron. Not counted in ClinVar's aggregate classification.

Dr. Peter K. Rogan Lab, Western University
No classification provided (evidence only). Condition: Chronic lymphocytic leukemia/small lymphocytic lymphoma. Review status: no classification provided. Collection method: in vitro. Allele origin: not applicable. Functional consequence: retained intron. Not counted in ClinVar's aggregate classification.

Dr. Peter K. Rogan Lab, Western University
No classification provided (evidence only). Condition: Chronic lymphocytic leukemia/small lymphocytic lymphoma. Review status: no classification provided. Collection method: in vitro. Allele origin: not applicable. Functional consequence: retained intron. Not counted in ClinVar's aggregate classification.

Dr. Peter K. Rogan Lab, Western University
No classification provided (evidence only). Condition: Chronic lymphocytic leukemia/small lymphocytic lymphoma. Review status: no classification provided. Collection method: in vitro. Allele origin: not applicable. Functional consequence: retained intron. Not counted in ClinVar's aggregate classification.

Dr. Peter K. Rogan Lab, Western University
No classification provided (evidence only). Condition: Chronic lymphocytic leukemia/small lymphocytic lymphoma. Review status: no classification provided. Collection method: in vitro. Allele origin: not applicable. Functional consequence: retained intron. Not counted in ClinVar's aggregate classification.

Dr. Peter K. Rogan Lab, Western University
No classification provided (evidence only). Condition: Ovarian cancer. Review status: no classification provided. Collection method: in vitro. Allele origin: not applicable. Functional consequence: retained intron. Not counted in ClinVar's aggregate classification.

Dr. Peter K. Rogan Lab, Western University
No classification provided (evidence only). Condition: Ovarian cancer. Review status: no classification provided. Collection method: in vitro. Allele origin: not applicable. Functional consequence: retained intron. Not counted in ClinVar's aggregate classification.

Dr. Peter K. Rogan Lab, Western University
No classification provided (evidence only). Condition: Ovarian cancer. Review status: no classification provided. Collection method: in vitro. Allele origin: not applicable. Functional consequence: retained intron. Not counted in ClinVar's aggregate classification.

Dr. Peter K. Rogan Lab, Western University
No classification provided (evidence only). Condition: Ovarian cancer. Review status: no classification provided. Collection method: in vitro. Allele origin: not applicable. Functional consequence: retained intron. Not counted in ClinVar's aggregate classification.

Dr. Peter K. Rogan Lab, Western University
No classification provided (evidence only). Condition: Ovarian cancer. Review status: no classification provided. Collection method: in vitro. Allele origin: not applicable. Functional consequence: retained intron. Not counted in ClinVar's aggregate classification.

Dr. Peter K. Rogan Lab, Western University
No classification provided (evidence only). Condition: Ovarian cancer. Review status: no classification provided. Collection method: in vitro. Allele origin: not applicable. Functional consequence: retained intron. Not counted in ClinVar's aggregate classification.

Dr. Peter K. Rogan Lab, Western University
No classification provided (evidence only). Condition: Ovarian cancer. Review status: no classification provided. Collection method: in vitro. Allele origin: not applicable. Functional consequence: retained intron. Not counted in ClinVar's aggregate classification.

Dr. Peter K. Rogan Lab, Western University
No classification provided (evidence only). Condition: Ovarian cancer. Review status: no classification provided. Collection method: in vitro. Allele origin: not applicable. Functional consequence: retained intron. Not counted in ClinVar's aggregate classification.

Dr. Peter K. Rogan Lab, Western University
No classification provided (evidence only). Condition: Ovarian cancer. Review status: no classification provided. Collection method: in vitro. Allele origin: not applicable. Functional consequence: retained intron. Not counted in ClinVar's aggregate classification.

Dr. Peter K. Rogan Lab, Western University
No classification provided (evidence only). Condition: Ovarian cancer. Review status: no classification provided. Collection method: in vitro. Allele origin: not applicable. Functional consequence: retained intron. Not counted in ClinVar's aggregate classification.

Dr. Peter K. Rogan Lab, Western University
No classification provided (evidence only). Condition: Ovarian cancer. Review status: no classification provided. Collection method: in vitro. Allele origin: not applicable. Functional consequence: retained intron. Not counted in ClinVar's aggregate classification.

Dr. Peter K. Rogan Lab, Western University
No classification provided (evidence only). Condition: Ovarian cancer. Review status: no classification provided. Collection method: in vitro. Allele origin: not applicable. Functional consequence: retained intron. Not counted in ClinVar's aggregate classification.

Dr. Peter K. Rogan Lab, Western University
No classification provided (evidence only). Condition: Ovarian cancer. Review status: no classification provided. Collection method: in vitro. Allele origin: not applicable. Functional consequence: retained intron. Not counted in ClinVar's aggregate classification.

Dr. Peter K. Rogan Lab, Western University
No classification provided (evidence only). Condition: Ovarian cancer. Review status: no classification provided. Collection method: in vitro. Allele origin: not applicable. Functional consequence: retained intron. Not counted in ClinVar's aggregate classification.

Dr. Peter K. Rogan Lab, Western University
No classification provided (evidence only). Condition: Ovarian cancer. Review status: no classification provided. Collection method: in vitro. Allele origin: not applicable. Functional consequence: retained intron. Not counted in ClinVar's aggregate classification.